The following is an entry in ClinVar:

ClinVar aggregate classification (germline): Benign/Likely benign. Review status: criteria provided, multiple submitters, no conflicts (2 of 4 stars). 7 submissions from 7 submitters: Benign (3); Likely benign (3). 1 of the submissions does not count toward it. Last evaluated 2026-06-01.

Conditions:
Ellis-van Creveld syndrome (EVC). Also called: Chondroectodermal dysplasia; MESOECTODERMAL DYSPLASIA. Identifiers: Orphanet 289, MedGen C0013903, MONDO:0009162, OMIM 225500.
EVC2-related disorder. Also called: EVC2-related condition.
Curry-Hall syndrome (WAD). Also called: WEYERS ACRODENTAL DYSOSTOSIS. Identifiers: Orphanet 952, MedGen C0457013, MONDO:0008673, OMIM 193530.

Allele frequency attached by ClinVar (database versions not stated): gnomAD exomes 0.00089 and 0.00299; gnomAD 0.00149 and 0.00170; TOPMed 0.00222; ExAC 0.00252; 1000 Genomes Project 0.00399; 1000 Genomes Project 30x 0.00422.
gnomAD v4.1: 1,605 of 1,614,074 alleles (0.099%); highest among the groups gnomAD compares: East Asian, 1.1%; 10 homozygotes.

Submissions (7):

CeGaT Center for Human Genetics Tuebingen
Classification: Likely benign. Last evaluated: 2026-06-01. Review status: criteria provided, single submitter. Criteria: CeGaT Center For Human Genetics Tuebingen Variant Classification Criteria Version 2. Collection method: clinical testing. Allele origin: germline. Affected: yes. Observed: 8 variant alleles.
Comment: EVC2: BP4, BS1

Labcorp Genetics (formerly Invitae), Labcorp
Classification: Benign for Curry-Hall syndrome; Ellis-van Creveld syndrome. Last evaluated: 2026-01-15. Review status: criteria provided, single submitter. Criteria: Invitae Variant Classification Sherloc (09022015). Collection method: clinical testing. Allele origin: germline.

Blueprint Genetics
Classification: Likely benign. Last evaluated: 2024-11-18. Review status: criteria provided, single submitter. Criteria: ACMG Guidelines, 2015. Collection method: clinical testing. Allele origin: germline.

ARUP Laboratories, Molecular Genetics and Genomics, ARUP Laboratories
Classification: Benign. Last evaluated: 2024-07-24. Review status: criteria provided, single submitter. Criteria: ARUP Molecular Germline Variant Investigation Process 2024. Collection method: clinical testing. Allele origin: germline.

GeneDx
Classification: Likely benign. Last evaluated: 2021-01-13. Review status: criteria provided, single submitter. Criteria: GeneDx Variant Classification Process June 2021. Collection method: clinical testing. Allele origin: germline. Affected: yes.

Illumina Laboratory Services, Illumina
Classification: Benign for Ellis-van Creveld syndrome. Last evaluated: 2018-01-13. Review status: criteria provided, single submitter. Criteria: ICSL Variant Classification Criteria 13 December 2019. Collection method: clinical testing. Allele origin: germline.
Comment: This variant was observed in the ICSL laboratory as part of a predisposition screen in an ostensibly healthy population. It had not been previously curated by ICSL or reported in the Human Gene Mutation Database (HGMD: prior to June 1st, 2018), and was therefore a candidate for classification through an automated scoring system. Utilizing variant allele frequency, disease prevalence and penetrance estimates, and inheritance mode, an automated score was calculated to assess if this variant is too frequent to cause the disease. Based on the score and internal cut-off values, a variant classified as benign is not then subjected to further curation. The score for this variant resulted in a classification of benign for this disease.

PreventionGenetics, part of Exact Sciences
Classification: Benign for EVC2-related condition. Last evaluated: 2019-08-01. Review status: no assertion criteria provided. Collection method: clinical testing. Allele origin: germline. Not counted in ClinVar's aggregate classification.
Comment: This variant is classified as benign based on ACMG/AMP sequence variant interpretation guidelines (Richards et al. 2015 PMID: 25741868, with internal and published modifications).

NM_147127.5(EVC2):c.2395G>C (p.Asp799His)

Gene: EVC2 (EvC ciliary complex subunit 2; minus strand). Cytogenetic location: 4p16.2.
Variant type: single nucleotide variant.
Coding change: c.2395G>C on transcript NM_147127.5 (MANE Select); coding-DNA position 2395, G replaced by C.
Protein change: p.Asp799His; replaces aspartic acid 799 with histidine.
Molecular consequence: missense variant.
Genome position (GRCh38, 1-based): chr4:5,622,643, C>G on the plus strand (G>C on the coding strand, the complement: EVC2 is on the minus strand). VCF-style: chr4-5622643-C-G. GRCh37 (hg19) VCF-style: chr4-5624370-C-G.
Other names: c.2155G>C, p.Asp719His (NM_001166136.2); short protein forms D799H, D719H.
Identifiers: ClinVar variation 349057 (VCV000349057.49), dbSNP rs143491078, ClinGen allele CA2834734.